The following is an entry in ClinVar:

ClinVar aggregate classification (germline): Uncertain significance. Review status: criteria provided, multiple submitters, no conflicts (2 of 4 stars). 4 submissions from 4 submitters: Uncertain significance (4). Last evaluated 2025-08-09.

Conditions:
Inborn genetic diseases. Identifiers: MedGen C0950123, MeSH D030342.

Allele frequency attached by ClinVar (database versions not stated): ExAC below 0.00001; gnomAD exomes 0.00003 and 0.00004; gnomAD 0.00011; TOPMed 0.00018; 1000 Genomes Project 30x 0.00031; 1000 Genomes Project 0.00160.
gnomAD v4.1: 51 of 1,603,934 alleles (0.0032%); highest among the groups gnomAD compares: African/African-American, 0.06%; no homozygotes.

Submissions (4):

Ambry Genetics
Classification: Uncertain significance for Inborn genetic diseases. Last evaluated: 2025-08-09. Review status: criteria provided, single submitter. Criteria: Ambry Variant Classification Scheme 2023. Collection method: clinical testing. Allele origin: germline.

Labcorp Genetics (formerly Invitae), Labcorp
Classification: Uncertain significance. Last evaluated: 2022-07-03. Review status: criteria provided, single submitter. Criteria: Invitae Variant Classification Sherloc (09022015). Collection method: clinical testing. Allele origin: germline.
Comment: This sequence change replaces serine, which is neutral and polar, with alanine, which is neutral and non-polar, at codon 6 of the WDR62 protein (p.Ser6Ala). This variant is present in population databases (rs573013010, gnomAD 0.02%). This variant has not been reported in the literature in individuals affected with WDR62-related conditions. ClinVar contains an entry for this variant (Variation ID: 586938). Algorithms developed to predict the effect of missense changes on protein structure and function output the following: SIFT: "Tolerated"; PolyPhen-2: "Benign"; Align-GVGD: "Class C0". The alanine amino acid residue is found in multiple mammalian species, which suggests that this missense change does not adversely affect protein function. In summary, the available evidence is currently insufficient to determine the role of this variant in disease. Therefore, it has been classified as a Variant of Uncertain Significance.

GeneDx
Classification: Uncertain significance. Last evaluated: 2019-12-20. Review status: criteria provided, single submitter. Criteria: GeneDx Variant Classification Process June 2021. Collection method: clinical testing. Allele origin: germline. Affected: yes.
Comment: In silico analysis, which includes protein predictors and evolutionary conservation, supports that this variant does not alter protein structure/function; Has not been previously published as pathogenic or benign to our knowledge

Athena Diagnostics
Classification: Uncertain significance. Last evaluated: 2017-11-10. Review status: criteria provided, single submitter. Criteria: Athena Diagnostics Criteria. Collection method: clinical testing. Allele origin: germline.

NM_001083961.2(WDR62):c.16T>G (p.Ser6Ala)

Gene: WDR62 (WD repeat domain 62; plus strand). Cytogenetic location: 19q13.12.
Variant type: single nucleotide variant.
Coding change: c.16T>G on transcript NM_001083961.2 (MANE Select); coding-DNA position 16, T replaced by G.
Protein change: p.Ser6Ala; replaces serine 6 with alanine.
Molecular consequence: missense variant.
Genome position (GRCh38, 1-based): chr19:36,054,987, T>G. VCF-style: chr19-36054987-T-G. GRCh37 (hg19) VCF-style: chr19-36545889-T-G.
Other names: c.16T>G, p.Ser6Ala (NM_173636.5); short protein forms S6A.
Identifiers: ClinVar variation 586938 (VCV000586938.8), dbSNP rs573013010, ClinGen allele CA9395112.